The following is an entry in ClinVar:

ClinVar aggregate classification (germline): Conflicting classifications of pathogenicity. Review status: criteria provided, conflicting classifications (1 of 4 stars). 5 submissions from 5 submitters: Uncertain significance (3); Likely benign (1). 1 of the submissions does not count toward it. Last evaluated 2026-01-28.

Conditions:
Joubert syndrome 15 (JBTS15). Identifiers: Orphanet 475, MedGen C3280897, MONDO:0013763, OMIM 614464.
Familial Autism Spectrum Disorder.

Allele frequency attached by ClinVar (database versions not stated): TOPMed 0.00005; ESP Exome Variant Server 0.00015; gnomAD 0.00025.
gnomAD v4.1: 101 of 1,613,982 alleles (0.0063%); highest among the groups gnomAD compares: Non-Finnish European, 0.0079%; no homozygotes.

Submissions (5):

Labcorp Genetics (formerly Invitae), Labcorp
Classification: Uncertain significance for Joubert syndrome 15. Last evaluated: 2026-01-28. Review status: criteria provided, single submitter. Criteria: Invitae Variant Classification Sherloc (09022015). Collection method: clinical testing. Allele origin: germline.
Comment: This sequence change replaces alanine, which is neutral and non-polar, with proline, which is neutral and non-polar, at codon 330 of the CEP41 protein (p.Ala330Pro). This variant is present in population databases (rs368525533, gnomAD 0.03%). This variant has not been reported in the literature in individuals affected with CEP41-related conditions. ClinVar contains an entry for this variant (Variation ID: 358941). Invitae Evidence Modeling of protein sequence and biophysical properties (such as structural, functional, and spatial information, amino acid conservation, physicochemical variation, residue mobility, and thermodynamic stability) indicates that this missense variant is not expected to disrupt CEP41 protein function with a negative predictive value of 80%. Experimental studies have shown that this missense change affects CEP41 function (PMID: 30664616). In summary, the available evidence is currently insufficient to determine the role of this variant in disease. Therefore, it has been classified as a Variant of Uncertain Significance.

CeGaT Center for Human Genetics Tuebingen
Classification: Likely benign. Last evaluated: 2023-08-01. Review status: criteria provided, single submitter. Criteria: CeGaT Center For Human Genetics Tuebingen Variant Classification Criteria Version 2. Collection method: clinical testing. Allele origin: germline. Affected: yes. Observed: 1 variant allele.
Comment: CEP41: BP4

Department of Pathology and Laboratory Medicine, Sinai Health System
Classification: Uncertain significance for Joubert syndrome 15. Last evaluated: 2023-04-03. Review status: criteria provided, single submitter. Criteria: ACMG Guidelines, 2015. Collection method: research. Allele origin: germline.

Illumina Laboratory Services, Illumina
Classification: Uncertain significance for Joubert syndrome 15. Last evaluated: 2018-01-12. Review status: criteria provided, single submitter. Criteria: ICSL Variant Classification Criteria 13 December 2019. Collection method: clinical testing. Allele origin: germline.

University of Washington Center for Mendelian Genomics, University of Washington
Classification: Likely pathogenic for Familial Autism Spectrum Disorder. Review status: no assertion criteria provided. Collection method: research. Allele origin: inherited. Affected: yes. Not counted in ClinVar's aggregate classification.

Literature cited by the submitters: PubMed 30664616 (cited by Labcorp Genetics (formerly Invitae), Labcorp and University of Washington Center for Mendelian Genomics, University of Washington).

NM_018718.3(CEP41):c.988G>C (p.Ala330Pro)

Gene: CEP41 (centrosomal protein 41; minus strand). Cytogenetic location: 7q32.2.
Variant type: single nucleotide variant.
Coding change: c.988G>C on transcript NM_018718.3 (MANE Select); coding-DNA position 988, G replaced by C.
Protein change: p.Ala330Pro; replaces alanine 330 with proline.
Molecular consequence: missense variant. On other transcripts: non-coding transcript variant (1).
Genome position (GRCh38, 1-based): chr7:130,399,025, C>G on the plus strand (G>C on the coding strand, the complement: CEP41 is on the minus strand). VCF-style: chr7-130399025-C-G. GRCh37 (hg19) VCF-style: chr7-130038866-C-G.
Other names: c.772G>C, p.Ala258Pro (NM_001257158.2); c.724G>C, p.Ala242Pro (NM_001257159.2); short protein forms A330P, A258P, A242P.
Identifiers: ClinVar variation 358941 (VCV000358941.35), dbSNP rs368525533, ClinGen allele CA4485413.
Genomic context (GRCh38, chr7:130,399,025, plus strand): 5'-CTGGCAGATTCTGAGCGCTTCGGGCACCAGGCACCTTGGACTCTCTTCCGGAGGAGTTAG[C>G]TTGGTTCAGTCGGCCTGAAGGGAGCAAGAAAGAAGGAACAGAGCTGCAAGAATGATTCCA-3'
Protein context (NP_061188.1, residues 320-340): PADHPSRLNQ[Ala330Pro]NSSGRESKVP